The following continues an entry in ClinVar:

NM_000059.4(BRCA2):c.5350_5351del (p.Asn1784fs)

Gene: BRCA2. ClinVar aggregate classification (germline): Pathogenic. Pathogenic (1).

Submissions 25 to 43 of 43:

National Institute of Allergy and Infectious Diseases - Centralized Sequencing Program, National Institutes of Health
Classification: Pathogenic for Hereditary breast and ovarian cancer syndrome. Last evaluated: 2021-08-06. Review status: criteria provided, single submitter. Criteria: ACMG Guidelines, 2015. Collection method: clinical testing. Allele origin: germline. Affected: yes. Not counted in ClinVar's aggregate classification.

Institute of Medical Genetics and Applied Genomics, University Hospital Tübingen
Classification: Pathogenic. Last evaluated: 2020-10-23. Review status: criteria provided, single submitter. Criteria: ACMG Guidelines, 2015. Collection method: clinical testing. Allele origin: germline. Inheritance: Unknown mechanism. Affected: yes. Not counted in ClinVar's aggregate classification.

GeneDx
Classification: Pathogenic. Last evaluated: 2020-06-24. Review status: criteria provided, single submitter. Criteria: GeneDx Variant Classification Process June 2021. Collection method: clinical testing. Allele origin: germline. Affected: yes. Not counted in ClinVar's aggregate classification.
Comment: Frameshift variant predicted to result in protein truncation or nonsense mediated decay in a gene for which loss-of-function is a known mechanism of disease; Not observed at a significant frequency in large population cohorts (gnomAD); Truncating variants in this gene are considered pathogenic by a well-established clinical consortium and/or database; Also known as 5578delAA; This variant is associated with the following publications: (PMID: 23569316, 22006311, 23633455, 24504028, 17148771, 8988179, 9150172, 21233401, 11597388, 21324516, 26681312, 17688236, 16683254, 23725378, 21305653, 28008555, 27836010, 24094589, 29371908, 29084914, 28687971, 30720243, 30322717, 26689913, 31447099, 32853339, 32719484, 32338768, 30787465, 33087929, 31360904)

Genomic Research Center, Shahid Beheshti University of Medical Sciences
Classification: Pathogenic for Breast-ovarian cancer, familial 2. Last evaluated: 2020-05-03. Review status: criteria provided, single submitter. Criteria: ACMG Guidelines, 2015. Collection method: clinical testing. Allele origin: unknown. Affected: yes. Not counted in ClinVar's aggregate classification.

Laboratory for Molecular Medicine, Mass General Brigham Personalized Medicine
Classification: Pathogenic for Hereditary breast ovarian cancer syndrome. Last evaluated: 2019-04-24. Review status: criteria provided, single submitter. Criteria: LMM Criteria. Collection method: clinical testing. Allele origin: germline. Inheritance: Autosomal dominant inheritance. Observed: 1 variant allele. Not counted in ClinVar's aggregate classification.
Comment: The p.Asn1784HisfsX2 variant in BRCA2 has been identified in >30 individuals with BRCA2-associated cancers (Gayther 1997, Walsh 2011, Zhang 2011, George 2013, Cunningham 2014, Breast Cancer Information Core (BIC) database, Sharing Clinical Reports Project). This variant has been identified in 1/15316 of European chromosomes by the Genome Aggregation Database (GnomAD); however, this frequency is low enough to be consistent with the frequency of hereditary breast and ovarian cancer (HBOC) in the general population. This variant is predicted to cause a frameshift, which alters the proteinâ€™s amino acid sequence beginning at position 1784 and leads to a premature termination codon 2 amino acids downstream. This alteration is then predicted to lead to a truncated or absent protein. Heterozygous loss of function of the BRCA2 gene is an established disease mechanism in individuals with hereditary breast and ovarian cancer (HBOC). In summary, this variant meets our criteria to be classified as pathogenic for HBOC in an autosomal dominant manner based upon the predicted impact to the protein. ACMG/AMP criteria applied: PVS1, PS4, PM2.

HudsonAlpha Institute for Biotechnology
Classification: Pathogenic for Breast-ovarian cancer, familial, susceptibility to, 2. Last evaluated: 2018-09-07. Review status: criteria provided, single submitter. Criteria: ACMG Guidelines, 2015. Collection method: research. Allele origin: unknown. Observed: 1 variant allele. Study: AGHI_GT. Not counted in ClinVar's aggregate classification.

Human Genome Sequencing Center Clinical Lab, Baylor College of Medicine
Classification: Pathogenic for Breast-ovarian cancer, familial, susceptibility to, 2. Last evaluated: 2018-02-25. Review status: criteria provided, single submitter. Criteria: ACMG Guidelines, 2015. Collection method: clinical testing. Allele origin: germline. Not counted in ClinVar's aggregate classification.
Comment: This c.5350_5351delAA (p.Asn1784Hisfs*2) frameshift variant in the BRCA2 gene is predicted to introduce a premature translation termination codon and has been reported in multiple unrelated individuals with breast, ovarian, prostate, fallopian, and/or peritoneal cancer (PMID: 8988179, 21324516, 22006311, 23569316, 23633455, 24504028). The c.5350_5351delAA (p.Asn1784Hisfs*2) variant in the BRCA2 gene is classified as pathogenic.

Women's Health and Genetics/Laboratory Corporation of America, LabCorp
Classification: Pathogenic for Hereditary breast ovarian cancer syndrome. Last evaluated: 2016-05-02. Review status: criteria provided, single submitter. Criteria: LabCorp Variant Classification Summary - May 2015. Collection method: clinical testing. Allele origin: germline. Not counted in ClinVar's aggregate classification.
Comment: Variant summary: The c.5350_5351delAA variant results in a premature termination codon, predicted to cause a truncated or absent BRCA2 protein, which is a commonly known mechanism for disease. Truncations downstream of this position have been classified as pathogenic by our laboratory (e.g.c.5386_5387delGA/p.Asp1796fs). One in-silico tool predicts damaging outcome for this variant. This variant is absent in 122212 control chromosomes. In addition, multiple clinical laboratories/reputable databases classified this variant as pathogenic. Taken together, this variant was classified as pathogenic.

Consortium of Investigators of Modifiers of BRCA1/2 (CIMBA), c/o University of Cambridge
Classification: Pathogenic for Breast-ovarian cancer, familial, susceptibility to, 2. Last evaluated: 2015-10-02. Review status: criteria provided, single submitter. Criteria: CIMBA Mutation Classification guidelines May 2016. Collection method: clinical testing. Allele origin: germline. Not counted in ClinVar's aggregate classification.

Clinical Genetics DNA and cytogenetics Diagnostics Lab, Erasmus MC, Erasmus Medical Center
Classification: Pathogenic for Breast-ovarian cancer, familial, susceptibility to, 2. Last evaluated: 2015-09-21. Review status: criteria provided, single submitter. Criteria: ACGS Guidelines, 2013. Collection method: clinical testing. Allele origin: germline. Affected: yes. Study: VKGL Data-share Consensus. Not counted in ClinVar's aggregate classification.

Molecular Genetics Laboratory, University of Michigan
Classification: Pathogenic for Breast-ovarian cancer, familial, susceptibility to, 2. Last evaluated: 2014-11-03. Review status: criteria provided, single submitter. Criteria: ACMG Guidelines, 2015. Collection method: clinical testing. Allele origin: germline. Affected: yes. Not counted in ClinVar's aggregate classification.

Molecular Oncology, Hospital Universitario Central de Asturias (HUCA)
Classification: Pathogenic for Breast-ovarian cancer, familial, susceptibility to, 2. Last evaluated: 2021-05-24. Review status: no assertion criteria provided. Collection method: case-control. Allele origin: germline. Affected: yes. Not counted in ClinVar's aggregate classification.

Counsyl
Classification: Pathogenic for Breast-ovarian cancer, familial, susceptibility to, 2. Last evaluated: 2015-07-08. Review status: no assertion criteria provided. Collection method: clinical testing. Allele origin: unknown. Not counted in ClinVar's aggregate classification.

Research Molecular Genetics Laboratory, Women's College Hospital, University of Toronto
Classification: Pathogenic for Hereditary breast ovarian cancer syndrome. Last evaluated: 2014-01-31. Review status: no assertion criteria provided. Collection method: research. Allele origin: germline. Affected: yes. Study: The Canadian Open Genetics Repository (COGR). Not counted in ClinVar's aggregate classification.

Sharing Clinical Reports Project (SCRP)
Classification: Pathogenic for Breast-ovarian cancer, familial 2. Last evaluated: 2012-07-17. Review status: no assertion criteria provided. Collection method: clinical testing. Allele origin: germline. Not counted in ClinVar's aggregate classification.

Breast Cancer Information Core (BIC) (BRCA2)
Classification: Pathogenic for Breast-ovarian cancer, familial 2. Last evaluated: 2002-05-29. Review status: no assertion criteria provided. Collection method: clinical testing. Allele origin: germline, unknown. Affected: yes. Observed: 33 variant alleles. Not counted in ClinVar's aggregate classification.

Department of Pathology and Laboratory Medicine, Sinai Health System
Classification: Pathogenic for Malignant tumor of breast. Review status: no assertion criteria provided. Collection method: clinical testing. Allele origin: unknown. Affected: yes. Observed: 4 variant alleles. Study: The Canadian Open Genetics Repository (COGR). Not counted in ClinVar's aggregate classification.
Comment: The BRCA2 p.Asn1784Hisfsx2 variant was identified in 6 of 9066 proband chromosomes (frequency: 0.0007) from individuals or families with breast, ovarian or prostate cancer (Gayther 1997 PMID:8988179, George 2013 PMID:23633455, Gonzalez-Angulo 2011 PMID:21233401, Walsh 2011 PMID:22006311, Zhang 2011 PMID:21324516, Castro 2013 PMID:23569316). The variant was also identified in the following databases: dbSNP (ID: rs80359507) as â€šÃ„ÃºWith Pathogenic alleleâ€šÃ„Ã¹, ClinVar (reported 14x as pathogenic by ENIGMA, Quest Diagnostics, CIMBA, Invitae, GeneDx, Ambry, University of Michigan, Counsyl, Color Genomics, SCRO, BIC, COGAR), Clinvitae (reported 5x as pathogenic by Invitae , ClinVar and kConFab), LOVD 3.0 (reported 10x as "affects function"), UMD-LSDB (23 records, as 5-causal), BIC Database (reported 33x, as class 5 ), ARUP Laboratories (as definitely pathogenic). The variant was not identified in Cosmic, MutDB and Zhejiang Colon Cancer Databases. The variant was not identified in the following control databases: the 1000 Genomes Project, the NHLBI GO Exome Sequencing Project, the Exome Aggregation Consortium (August 8th 2016), or the Genome Aggregation Database (Feb 27, 2017). The c.5350_5351delAA variant is predicted to cause a frameshift, which alters the protein's amino acid sequence beginning at codon 1784 and leads to a premature stop codon 2 codons downstream. This alteration is then predicted to result in a truncated or absent protein and loss of function. Loss of function variants of the BRCA2 gene are an established mechanism of disease in breast and ovarian cancer and is the type of variant expected to cause the disorder. In summary, based on the above information this variant meets our laboratoryâ€šÃ„Ã´s criteria to be classified as pathogenic.

Diagnostic Laboratory, Department of Genetics, University Medical Center Groningen
Classification: Pathogenic for Breast-ovarian cancer, familial, susceptibility to, 2. Review status: no assertion criteria provided. Collection method: clinical testing. Allele origin: germline. Affected: yes. Study: VKGL Data-share Consensus. Not counted in ClinVar's aggregate classification.

Joint Genome Diagnostic Labs from Nijmegen and Maastricht, Radboudumc and MUMC+
Classification: Pathogenic. Review status: no assertion criteria provided. Collection method: clinical testing. Allele origin: germline. Affected: yes. Study: VKGL Data-share Consensus. Not counted in ClinVar's aggregate classification.

Literature cited by the submitters: PubMed 20104584 (cited by Labcorp Genetics (formerly Invitae), Labcorp); PubMed 10923033 (cited by Labcorp Genetics (formerly Invitae), Labcorp); PubMed 21324516 (cited by 8 submitters); PubMed 22006311 (cited by 7 submitters); PubMed 22144684 (cited by Labcorp Genetics (formerly Invitae), Labcorp); PubMed 23633455 (cited by 9 submitters); PubMed 16199546 (cited by Dasa); PubMed 17063271 (cited by Dasa); PubMed 25632310 (cited by Dasa); PubMed 8988179 (cited by 9 submitters); PubMed 23569316 (cited by 5 submitters); PubMed 28008555 (cited by 4 submitters); PubMed 24504028 (cited by 5 submitters); PubMed 29446198 (cited by Mayo Clinic Laboratories, Mayo Clinic and Sema4); PubMed 29922827 (cited by Mayo Clinic Laboratories, Mayo Clinic and Quest Diagnostics Nichols Institute San Juan Capistrano); PubMed 30322717 (cited by Mayo Clinic Laboratories, Mayo Clinic and Sema4); PubMed 31360904 (cited by Mayo Clinic Laboratories, Mayo Clinic and Quest Diagnostics Nichols Institute San Juan Capistrano); PubMed 9150172 (cited by 3 submitters); PubMed 21233401 (cited by 3 submitters); PubMed 24728189 (cited by 3 submitters); PubMed 28687971 (cited by 4 submitters); PubMed 29084914 (cited by 3 submitters); PubMed 32338768 (cited by Quest Diagnostics Nichols Institute San Juan Capistrano); PubMed 26295337 (cited by Quest Diagnostics Nichols Institute San Juan Capistrano); PubMed 36474027 (cited by Daryl Scott Lab, Baylor College of Medicine); PubMed 38922859 (cited by Molecular Oncology, Hospital Universitario Central de Asturias (HUCA)); PubMed 10486320 (cited by Counsyl).